The following is an entry in ClinVar:

ClinVar aggregate classification (germline): Uncertain significance (1 of 4 stars; one submission).

Conditions:
Familial adenomatous polyposis 1 (FAP1). Also called: FAMILIAL ADENOMATOUS POLYPOSIS 1, ATTENUATED; POLYPOSIS, ADENOMATOUS INTESTINAL. Identifiers: MedGen C2713442, MONDO:0021056, OMIM 175100. Disease mechanism: loss of function.

Allele frequency attached by ClinVar (database versions not stated): gnomAD exomes 0.00001.

Submission:

Labcorp Genetics (formerly Invitae), Labcorp
Classification: Uncertain significance for Familial adenomatous polyposis 1. Last evaluated: 2025-10-28. Review status: criteria provided, single submitter. Criteria: Invitae Variant Classification Sherloc (09022015). Collection method: clinical testing. Allele origin: germline.
Comment: This variant occurs in a non-coding region of the APC gene. It does not change the encoded amino acid sequence of the APC protein. This variant is not present in population databases (gnomAD no frequency). This variant has not been reported in the literature in individuals affected with APC-related conditions. ClinVar contains an entry for this variant (Variation ID: 537631). Experimental studies and prediction algorithms are not available or were not evaluated, and the functional significance of this variant is currently unknown. In summary, the available evidence is currently insufficient to determine the role of this variant in disease. Therefore, it has been classified as a Variant of Uncertain Significance.

NM_001127511.3(APC):c.-177T>C

Gene: APC (APC regulator of Wnt signaling pathway; plus strand). Cytogenetic location: 5q22.2.
Variant type: single nucleotide variant.
Coding change: c.-177T>C on transcript NM_001127511.3; 177 bases upstream of the start codon, T replaced by C.
Molecular consequence: 5 prime UTR variant. On other transcripts: non-coding transcript variant (2).
Genome position (GRCh38, 1-based): chr5:112,707,541, T>C. VCF-style: chr5-112707541-T-C. GRCh37 (hg19) VCF-style: chr5-112043238-T-C.
Other names: c.-360T>C (NM_001354895.2, NM_001407447.1, NM_001407452.1 and 3 more transcripts); c.-177T>C (NM_001354897.2, NM_001354902.2, NM_001407446.1); c.-127T>C (NM_001407448.1, NM_001407450.1, NM_001407457.1 and 1 more transcripts); c.-151T>C (NM_001407453.1); c.-1395T>C (NM_001407470.1, NM_001407472.1).
Identifiers: ClinVar variation 537631 (VCV000537631.7), dbSNP rs1020491376, ClinGen allele CA658796606.
Genomic context (GRCh38, chr5:112,707,541, plus strand): 5'-ACACCTCTCACGCATGCGCATTGTAGTCTTCCCACCTCCCACAAGATGGCGGAGGGCAAG[T>C]AGCAAGGGGGCGGGGTGTGGCCGCCGGAAGCCTAGCCGCTGCTCGGGGGGGACCTGCGGG-3'